The following is an entry in ClinVar:

NM_000350.3(ABCA4):c.3354C>G (p.His1118Gln)

Gene: ABCA4 (ATP binding cassette subfamily A member 4; minus strand). Cytogenetic location: 1p22.1.
Variant type: single nucleotide variant.
Coding change: c.3354C>G on transcript NM_000350.3 (MANE Select); coding-DNA position 3354, C replaced by G.
Protein change: p.His1118Gln; replaces histidine 1118 with glutamine.
Molecular consequence: missense variant.
Genome position (GRCh38, 1-based): chr1:94,041,377, G>C on the plus strand (C>G on the coding strand, the complement: ABCA4 is on the minus strand). VCF-style: chr1-94041377-G-C. GRCh37 (hg19) VCF-style: chr1-94506933-G-C.
Other names: c.3132C>G, p.His1044Gln (NM_001425324.1); short protein forms H1118Q, H1044Q.
Identifiers: ClinVar variation 3002946 (VCV003002946.3), dbSNP rs767693150, ClinGen allele CA341291274.

ClinVar aggregate classification (germline): Likely pathogenic (1 of 4 stars; one submission).

Submission:

Labcorp Genetics (formerly Invitae), Labcorp
Classification: Likely pathogenic. Last evaluated: 2023-08-29. Review status: criteria provided, single submitter. Criteria: Invitae Variant Classification Sherloc (09022015). Collection method: clinical testing. Allele origin: germline.
Comment: In summary, the currently available evidence indicates that the variant is pathogenic, but additional data are needed to prove that conclusively. Therefore, this variant has been classified as Likely Pathogenic. This variant disrupts the p.His1118 amino acid residue in ABCA4. Other variant(s) that disrupt this residue have been determined to be pathogenic (PMID: 26551331, 30029497; Invitae). This suggests that this residue is clinically significant, and that variants that disrupt this residue are likely to be disease-causing. Advanced modeling of protein sequence and biophysical properties (such as structural, functional, and spatial information, amino acid conservation, physicochemical variation, residue mobility, and thermodynamic stability) performed at Invitae indicates that this missense variant is expected to disrupt ABCA4 protein function. This variant has not been reported in the literature in individuals affected with ABCA4-related conditions. This variant is not present in population databases (gnomAD no frequency). This sequence change replaces histidine, which is basic and polar, with glutamine, which is neutral and polar, at codon 1118 of the ABCA4 protein (p.His1118Gln).

Literature cited by the submitters: PubMed 26551331; PubMed 30029497.